The following is an entry in ClinVar:

NM_000368.5(TSC1):c.2953G>A (p.Ala985Thr)

Gene: TSC1 (TSC complex subunit 1; minus strand). Cytogenetic location: 9q34.13.
Variant type: single nucleotide variant.
Coding change: c.2953G>A on transcript NM_000368.5 (MANE Select); coding-DNA position 2953, G replaced by A.
Protein change: p.Ala985Thr; replaces alanine 985 with threonine.
Molecular consequence: missense variant.
Genome position (GRCh38, 1-based): chr9:132,897,206, C>T on the plus strand (G>A on the coding strand, the complement: TSC1 is on the minus strand). VCF-style: chr9-132897206-C-T. GRCh37 (hg19) VCF-style: chr9-135772593-C-T.
Other names: c.2950G>A, p.Ala984Thr (NM_001162426.2); c.2800G>A, p.Ala934Thr (NM_001162427.2); c.2590G>A, p.Ala864Thr (NM_001362177.2); short protein forms A985T, A864T, A934T, A984T.
Identifiers: ClinVar variation 534417 (VCV000534417.8), dbSNP rs1554813242, ClinGen allele CA375368313.

ClinVar aggregate classification (germline): Uncertain significance (1 of 4 stars; one submission).

Conditions:
Tuberous sclerosis 1 (TSC1). Identifiers: Orphanet 805, MedGen C1854465, MONDO:0008612, OMIM 191100.

Submission:

Labcorp Genetics (formerly Invitae), Labcorp
Classification: Uncertain significance for Tuberous sclerosis 1. Last evaluated: 2017-11-23. Review status: criteria provided, single submitter. Criteria: Invitae Variant Classification Sherloc (09022015). Collection method: clinical testing. Allele origin: germline.
Comment: This variant is not present in population databases (ExAC no frequency). This sequence change replaces alanine with threonine at codon 985 of the TSC1 protein (p.Ala985Thr). The alanine residue is moderately conserved and there is a small physicochemical difference between alanine and threonine. This variant has not been reported in the literature in individuals with TSC1-related disease. In summary, the available evidence is currently insufficient to determine the role of this variant in disease. Therefore, it has been classified as a Variant of Uncertain Significance. Algorithms developed to predict the effect of missense changes on protein structure and function output the following: SIFT: "Tolerated"; PolyPhen-2: "Benign"; Align-GVGD: "Class C0". The threonine amino acid residue is found in multiple mammalian species, suggesting that this missense change does not adversely affect protein function. These predictions have not been confirmed by published functional studies and their clinical significance is uncertain.